The following is an entry in ClinVar:

NM_020975.6(RET):c.10G>T (p.Ala4Ser)

Genes: RET (ret proto-oncogene; plus strand), LOC106736614 (RET 5' regulatory region; plus strand). Cytogenetic location: 10q11.21.
Variant type: single nucleotide variant.
Coding change: c.10G>T on transcript NM_020975.6 (MANE Select); coding-DNA position 10, G replaced by T.
Protein change: p.Ala4Ser; replaces alanine 4 with serine.
Molecular consequence: missense variant.
Genome position (GRCh38, 1-based): chr10:43,077,268, G>T. VCF-style: chr10-43077268-G-T. GRCh37 (hg19) VCF-style: chr10-43572716-G-T.
Other names: c.10G>T, p.Ala4Ser (NM_001406789.1, NM_001406790.1, NM_001406791.1 and 36 more transcripts); short protein forms A4S.
Identifiers: ClinVar variation 4825620 (VCV004825620.1).

ClinVar aggregate classification (germline): Uncertain significance (1 of 4 stars; one submission).

Conditions:
Hereditary cancer-predisposing syndrome. Also called: Neoplastic Syndromes, Hereditary; Tumor predisposition; Hereditary Cancer Syndrome; Hereditary neoplastic syndrome. Identifiers: Orphanet 140162, MedGen C0027672, MeSH D009386, MONDO:0015356.

Submission:

Ambry Genetics
Classification: Uncertain significance for Hereditary cancer-predisposing syndrome. Last evaluated: 2026-02-24. Review status: criteria provided, single submitter. Criteria: Ambry Variant Classification Scheme 2023. Collection method: clinical testing. Allele origin: germline.
Comment: The p.A4S variant (also known as c.10G>T), located in coding exon 1 of the RET gene, results from a G to T substitution at nucleotide position 10. The alanine at codon 4 is replaced by serine, an amino acid with similar properties. This amino acid position is well conserved in available vertebrate species. In addition, the in silico prediction for this alteration is inconclusive.Based on the available evidence, the clinical significance of this variant remains unclear.